The following is an entry in ClinVar:

NM_024818.6(UBA5):c.803dup (p.Asn268fs)

Genes: NPHP3-ACAD11 (NPHP3-ACAD11 readthrough (NMD candidate); minus strand), UBA5 (ubiquitin like modifier activating enzyme 5; plus strand). Cytogenetic location: 3q22.1.
Variant type: Duplication.
Coding change: c.803dup on transcript NM_024818.6 (MANE Select); coding-DNA position 803, one base duplicated (A; older notation c.803dupA).
Protein change: p.Asn268fs; shifts the reading frame from asparagine 268.
Molecular consequence: frameshift variant.
Genome position (GRCh38, 1-based): chr3:132,672,168, A duplicated; the last of 4 consecutive A bases (chr3:132,672,165-132,672,168); duplicating any one gives the same sequence. VCF-style (leftmost placement, unchanged base first): chr3-132672164-C-CA. GRCh37 (hg19) VCF-style: chr3-132391008-C-CA.
Other names: c.635dup, p.Asn212fs (NM_001320210.2, NM_198329.4); c.533dup, p.Asn178fs (NM_001321238.2); c.467dup, p.Asn156fs (NM_001321239.1); short protein forms N212fs, N156fs, N178fs, N268fs.
Identifiers: ClinVar variation 2068852 (VCV002068852.4), dbSNP rs2530332377, ClinGen allele CA2580068772.

ClinVar aggregate classification (germline): Pathogenic (1 of 4 stars; one submission).

Submission:

Labcorp Genetics (formerly Invitae), Labcorp
Classification: Pathogenic. Last evaluated: 2024-10-10. Review status: criteria provided, single submitter. Criteria: Invitae Variant Classification Sherloc (09022015). Collection method: clinical testing. Allele origin: germline.
Comment: This sequence change creates a premature translational stop signal (p.Asn268Lysfs*13) in the UBA5 gene. It is expected to result in an absent or disrupted protein product. Loss-of-function variants in UBA5 are known to be pathogenic (PMID: 27545674, 27545681). This variant is not present in population databases (gnomAD no frequency). This variant has not been reported in the literature in individuals affected with UBA5-related conditions. ClinVar contains an entry for this variant (Variation ID: 2068852). For these reasons, this variant has been classified as Pathogenic.

Literature cited by the submitters: PubMed 27545674; PubMed 27545681.